The following is an entry in ClinVar:

ClinVar aggregate classification (germline): Uncertain significance (1 of 4 stars; one submission).

Conditions:
EP300-related disorder. Also called: EP300-related condition; EP300-related disorders.

gnomAD v4.1: 7 of 1,613,820 alleles (0.00043%); highest among the groups gnomAD compares: East Asian, 0.0045%; no homozygotes.

Submission:

PreventionGenetics, part of Exact Sciences
Classification: Uncertain significance for EP300-related condition. Last evaluated: 2026-08-26. Review status: criteria provided, single submitter. Criteria: ACMG Guidelines, 2015. Collection method: clinical testing. Allele origin: germline.
Comment: The EP300 c.2539C>T variant is predicted to result in the amino acid substitution p.Pro847Ser. To our knowledge, this variant has not been reported in the literature. This variant is reported in 0.011% of alleles in individuals of East Asian descent in gnomAD. Although we suspect that this variant may be benign, at this time, the clinical significance of this variant is uncertain due to the absence of conclusive functional and genetic evidence.

NM_001429.4(EP300):c.2539C>T (p.Pro847Ser)

Gene: EP300 (EP300 lysine acetyltransferase; plus strand). Cytogenetic location: 22q13.2.
Variant type: single nucleotide variant.
Coding change: c.2539C>T on transcript NM_001429.4 (MANE Select); coding-DNA position 2539, C replaced by T.
Protein change: p.Pro847Ser; replaces proline 847 with serine.
Molecular consequence: missense variant.
Genome position (GRCh38, 1-based): chr22:41,149,920, C>T. VCF-style: chr22-41149920-C-T. GRCh37 (hg19) VCF-style: chr22-41545924-C-T.
Other names: c.2461C>T, p.Pro821Ser (NM_001362843.2); short protein forms P821S, P847S.
Identifiers: ClinVar variation 4986909 (VCV004986909.1).